The following is an entry in ClinVar:

NM_002383.4(MAZ):c.486C>T (p.Thr162=)

Gene: MAZ (MYC associated zinc finger protein; plus strand). Cytogenetic location: 16p11.2.
Variant type: single nucleotide variant.
Coding change: c.486C>T on transcript NM_002383.4 (MANE Select); coding-DNA position 486, C replaced by T.
Protein change: p.Thr162=; no amino-acid change (threonine 162 retained).
Molecular consequence: synonymous variant. On other transcripts: intron variant (1).
Genome position (GRCh38, 1-based): chr16:29,807,271, C>T. VCF-style: chr16-29807271-C-T. GRCh37 (hg19) VCF-style: chr16-29818592-C-T.
Other names: c.486C>T, p.Thr162= (NM_001042539.3); c.417C>T, p.Thr139= (NM_001276275.2); c.192+378C>T (NM_001276276.2).
Identifiers: ClinVar variation 2646364 (VCV002646364.24), dbSNP rs780487188, ClinGen allele CA7993747.
Genomic context (GRCh38, chr16:29,807,271, plus strand): 5'-GCCCGCGGCCGAGGCCGCGCCCCCCGCCTCCGCCGCCACTATCGCCGCGGCGGCGGCCAC[C>T]GCCGTCGTAGCCCCAACCTCGACGGTCGCCGTGGCCCCGGTCGCGTCTGCCTTGGAGAAG-3'
Protein context (NP_002374.2, residues 152-172): SAATIAAAAA[Thr162=]AVVAPTSTVA

ClinVar aggregate classification (germline): Likely benign (1 of 4 stars; one submission).

Allele frequency attached by ClinVar (database versions not stated): 1000 Genomes Project 30x 0.00125; TOPMed 0.00375; gnomAD 0.00395; ExAC 0.00542.
gnomAD v4.1: 7,580 of 1,465,774 alleles (0.52%); highest among the groups gnomAD compares: Non-Finnish European, 0.6%; 32 homozygotes.

Submission:

CeGaT Center for Human Genetics Tuebingen
Classification: Likely benign. Last evaluated: 2025-08-01. Review status: criteria provided, single submitter. Criteria: CeGaT Center For Human Genetics Tuebingen Variant Classification Criteria Version 2. Collection method: clinical testing. Allele origin: germline. Affected: yes. Observed: 3 variant alleles.
Comment: MAZ: BP4, BP7, BS2